The following is an entry in ClinVar:

NM_021160.3(ABHD16A):c.1465T>C (p.Trp489Arg)

Gene: ABHD16A (abhydrolase domain containing 16A, phospholipase; minus strand). Cytogenetic location: 6p21.33.
Variant type: single nucleotide variant.
Coding change: c.1465T>C on transcript NM_021160.3 (MANE Select); coding-DNA position 1465, T replaced by C.
Protein change: p.Trp489Arg; replaces tryptophan 489 with arginine.
Molecular consequence: missense variant. On other transcripts: non-coding transcript variant (2).
Genome position (GRCh38, 1-based): chr6:31,687,723, A>G on the plus strand (T>C on the coding strand, the complement: ABHD16A is on the minus strand). VCF-style: chr6-31687723-A-G. GRCh37 (hg19) VCF-style: chr6-31655500-A-G.
Other names: c.1366T>C, p.Trp456Arg (NM_001177515.2); short protein forms W456R, W489R.
Identifiers: ClinVar variation 2630548 (VCV002630548.1), dbSNP rs1460290477, ClinGen allele CA363336680.

ClinVar aggregate classification (germline): Uncertain significance (1 of 4 stars; one submission).

Conditions:
ABHD16A-related disorder. Also called: ABHD16A-related condition.

Allele frequency attached by ClinVar (database versions not stated): gnomAD exomes below 0.00001; gnomAD 0.00001.
gnomAD v4.1: 2 of 1,612,720 alleles (0.00012%); highest among the groups gnomAD compares: African/African-American, 0.0013%; no homozygotes.

Submission:

PreventionGenetics, part of Exact Sciences
Classification: Uncertain significance for ABHD16A-related condition. Last evaluated: 2023-02-07. Review status: criteria provided, single submitter. Criteria: ACMG Guidelines, 2015. Collection method: clinical testing. Allele origin: germline.
Comment: The ABHD16A c.1465T>C variant is predicted to result in the amino acid substitution p.Trp489Arg. To our knowledge, this variant has not been reported in the literature. This variant is reported in 0.0066% of alleles in individuals of African descent in gnomAD. At this time, the clinical significance of this variant is uncertain due to the absence of conclusive functional and genetic evidence.